The following is an entry in ClinVar:

NM_033305.3(VPS13A):c.989+2T>G

Gene: VPS13A (vacuolar protein sorting 13 homolog A; plus strand). Cytogenetic location: 9q21.2.
Variant type: single nucleotide variant.
Coding change: c.989+2T>G on transcript NM_033305.3 (MANE Select); the canonical splice donor site of the intron after coding-DNA position 989, T replaced by G.
Molecular consequence: splice donor variant.
Genome position (GRCh38, 1-based): chr9:77,220,385, T>G. VCF-style: chr9-77220385-T-G. GRCh37 (hg19) VCF-style: chr9-79835301-T-G.
Other names: c.989+2T>G (NM_001018037.2, NM_015186.4, NM_001018038.3).
Identifiers: ClinVar variation 1477759 (VCV001477759.8), dbSNP rs2131177211, ClinGen allele CA373843703.
Genomic context (GRCh38, chr9:77,220,385, plus strand): 5'-AATCTGCCATATAGGAAGTTCAAACCTGATGTGCCTCTTCACCACCATGCCAGAGAATGG[T>G]AAATGCCTTGATTTTTTTTTTTTTTTAGATTTTAAAAATACAACATAAAAATAAATTTCT-3'

ClinVar aggregate classification (germline): Likely pathogenic (1 of 4 stars; one submission).

Allele frequency attached by ClinVar (database versions not stated): gnomAD exomes below 0.00001.
gnomAD v4.1: 2 of 1,589,062 alleles (0.00013%); highest among the groups gnomAD compares: Non-Finnish European, 0.00017%; no homozygotes.

Submission:

Labcorp Genetics (formerly Invitae), Labcorp
Classification: Likely pathogenic. Last evaluated: 2021-03-10. Review status: criteria provided, single submitter. Criteria: Invitae Variant Classification Sherloc (09022015). Collection method: clinical testing. Allele origin: germline.
Comment: This sequence change affects a donor splice site in intron 12 of the VPS13A gene. It is expected to disrupt RNA splicing. Variants that disrupt the donor or acceptor splice site typically lead to a loss of protein function (PMID: 16199547), and loss-of-function variants in VPS13A are known to be pathogenic (PMID: 12404112, 21598378). This variant is not present in population databases (ExAC no frequency). This variant has not been reported in the literature in individuals with VPS13A-related conditions. Algorithms developed to predict the effect of sequence changes on RNA splicing suggest that this variant may disrupt the consensus splice site, but this prediction has not been confirmed by published transcriptional studies. In summary, the currently available evidence indicates that the variant is pathogenic, but additional data are needed to prove that conclusively. Therefore, this variant has been classified as Likely Pathogenic.

Literature cited by the submitters: PubMed 16199547; PubMed 12404112; PubMed 21598378.